The following is an entry in ClinVar:

ClinVar aggregate classification (germline): Benign/Likely benign. Review status: criteria provided, multiple submitters, no conflicts (2 of 4 stars). 5 submissions from 5 submitters: Benign (1); Likely benign (4). Last evaluated 2025-10-01.

Conditions:
Hereditary cancer-predisposing syndrome. Also called: Hereditary Cancer Syndrome; Neoplastic Syndromes, Hereditary; Tumor predisposition; Hereditary neoplastic syndrome. Identifiers: Orphanet 140162, MedGen C0027672, MeSH D009386, MONDO:0015356.
Peutz-Jeghers syndrome (PJS). Also called: POLYPOSIS, HAMARTOMATOUS INTESTINAL; POLYPS-AND-SPOTS SYNDROME; Peutz-Jeghers polyposis; Periorificial lentiginosis syndrome. Identifiers: Orphanet 2869, MedGen C0031269, MeSH D010580, MONDO:0008280, OMIM 175200.

Allele frequency attached by ClinVar (database versions not stated): ExAC 0.00001; gnomAD 0.00001; TOPMed 0.00003.

Submissions (5):

Labcorp Genetics (formerly Invitae), Labcorp
Classification: Likely benign for Peutz-Jeghers syndrome. Last evaluated: 2025-10-01. Review status: criteria provided, single submitter. Criteria: Invitae Variant Classification Sherloc (09022015). Collection method: clinical testing. Allele origin: germline.

Myriad Genetics, Inc.
Classification: Benign for Peutz-Jeghers syndrome. Last evaluated: 2025-03-25. Review status: criteria provided, single submitter. Criteria: Myriad Autosomal Dominant, Autosomal Recessive and X-Linked Classification Criteria (2023). Collection method: clinical testing. Allele origin: unknown.
Comment: This variant is considered benign. This variant is a silent/synonymous amino acid change and it is not expected to impact splicing.

All of Us Research Program, National Institutes of Health
Classification: Likely benign for Peutz-Jeghers syndrome. Last evaluated: 2024-07-20. Review status: criteria provided, single submitter. Criteria: ACMG Guidelines, 2015. Collection method: clinical testing. Allele origin: germline. Inheritance: Autosomal dominant inheritance. Observed: 1 variant allele, 1 heterozygote.
Comment: This study involves interpretation of variants in research participants for the purpose of population health screening. Participant phenotype was not available at the time of variant classification. Additional details can be found in publication PMID: 35346344, PMCID: PMC8962531

GeneDx
Classification: Likely benign. Last evaluated: 2017-06-29. Review status: criteria provided, single submitter. Criteria: GeneDx Variant Classification (06012015). Collection method: clinical testing. Allele origin: germline. Affected: yes.
Comment: This variant is considered likely benign or benign based on one or more of the following criteria: it is a conservative change, it occurs at a poorly conserved position in the protein, it is predicted to be benign by multiple in silico algorithms, and/or has population frequency not consistent with disease.

Ambry Genetics
Classification: Likely benign for Hereditary cancer-predisposing syndrome. Last evaluated: 2014-10-07. Review status: criteria provided, single submitter. Criteria: Ambry Variant Classification Scheme 2023. Collection method: clinical testing. Allele origin: germline.

NM_000455.5(STK11):c.207G>T (p.Ser69=)

Gene: STK11 (serine/threonine kinase 11; plus strand). Cytogenetic location: 19p13.3.
Variant type: single nucleotide variant.
Coding change: c.207G>T on transcript NM_000455.5 (MANE Select); coding-DNA position 207, G replaced by T.
Protein change: p.Ser69=; no amino-acid change (serine 69 retained).
Molecular consequence: synonymous variant.
Genome position (GRCh38, 1-based): chr19:1,207,120, G>T. VCF-style: chr19-1207120-G-T. GRCh37 (hg19) VCF-style: chr19-1207119-G-T.
Identifiers: ClinVar variation 186402 (VCV000186402.16), dbSNP rs746735912, ClinGen allele CA022718.